The following is an entry in ClinVar:

NM_001378120.1(MBD5):c.2075G>A (p.Gly692Asp)

Gene: MBD5 (methyl-CpG binding domain protein 5; plus strand). Cytogenetic location: 2q23.1.
Variant type: single nucleotide variant.
Coding change: c.2075G>A on transcript NM_001378120.1 (MANE Select); coding-DNA position 2075, G replaced by A.
Protein change: p.Gly692Asp; replaces glycine 692 with aspartic acid.
Molecular consequence: missense variant.
Genome position (GRCh38, 1-based): chr2:148,470,018, G>A. VCF-style: chr2-148470018-G-A. GRCh37 (hg19) VCF-style: chr2-149227587-G-A.
Other names: c.2075G>A, p.Gly692Asp (NM_018328.5); c.2075G>A (NM_018328.4); short protein forms G692D.
Identifiers: ClinVar variation 3623690 (VCV003623690.3).

ClinVar aggregate classification (germline): Uncertain significance. Review status: criteria provided, multiple submitters, no conflicts (2 of 4 stars). 2 submissions from 2 submitters: Uncertain significance (2). Last evaluated 2024-07-26.

Conditions:
Intellectual developmental disorder, autosomal dominant 1. Also called: MBD5 Haploinsufficiency; Intellectual disability, autosomal dominant 1. Identifiers: Orphanet 228402, MedGen C1969562, MONDO:0007974, OMIM 156200.

gnomAD v4.1: 1 of 1,613,780 alleles (0.000062%); no homozygotes.

Submissions (2):

Revvity Omics, Revvity
Classification: Uncertain significance. Last evaluated: 2024-07-26. Review status: criteria provided, single submitter. Criteria: ACMG Guidelines, 2015. Collection method: clinical testing. Allele origin: germline.

Labcorp Genetics (formerly Invitae), Labcorp
Classification: Uncertain significance for Intellectual developmental disorder, autosomal dominant 1. Last evaluated: 2024-04-13. Review status: criteria provided, single submitter. Criteria: Invitae Variant Classification Sherloc (09022015). Collection method: clinical testing. Allele origin: germline.
Comment: This sequence change replaces glycine, which is neutral and non-polar, with aspartic acid, which is acidic and polar, at codon 692 of the MBD5 protein (p.Gly692Asp). This variant is not present in population databases (gnomAD no frequency). This variant has not been reported in the literature in individuals affected with MBD5-related conditions. Advanced modeling of protein sequence and biophysical properties (such as structural, functional, and spatial information, amino acid conservation, physicochemical variation, residue mobility, and thermodynamic stability) performed at Invitae indicates that this missense variant is not expected to disrupt MBD5 protein function with a negative predictive value of 80%. In summary, the available evidence is currently insufficient to determine the role of this variant in disease. Therefore, it has been classified as a Variant of Uncertain Significance.